The following is an entry in ClinVar:

ClinVar aggregate classification (germline): Uncertain significance (1 of 4 stars; one submission).

gnomAD v4.1: 1 of 1,613,234 alleles (0.000062%); highest among the groups gnomAD compares: Admixed American, 0.0017%; no homozygotes.

Submission:

Labcorp Genetics (formerly Invitae), Labcorp
Classification: Uncertain significance. Last evaluated: 2025-12-31. Review status: criteria provided, single submitter. Criteria: Invitae Variant Classification Sherloc (09022015). Collection method: clinical testing. Allele origin: germline.
Comment: This sequence change falls in intron 18 of the NFKB1 gene. It does not directly change the encoded amino acid sequence of the NFKB1 protein. The frequency data for this variant in the population databases is considered unreliable, as metrics indicate poor data quality at this position in the gnomAD database. This variant has not been reported in the literature in individuals affected with NFKB1-related conditions. Algorithms developed to predict the effect of sequence changes on RNA splicing suggest that this variant may disrupt the consensus splice site. In summary, the available evidence is currently insufficient to determine the role of this variant in disease. Therefore, it has been classified as a Variant of Uncertain Significance.

NM_003998.4(NFKB1):c.2125-13G>A

Gene: NFKB1 (nuclear factor kappa B subunit 1; plus strand). Cytogenetic location: 4q24.
Variant type: single nucleotide variant.
Coding change: c.2125-13G>A on transcript NM_003998.4 (MANE Select); 13 bases into the intron before coding-DNA position 2125, G replaced by A.
Molecular consequence: intron variant.
Genome position (GRCh38, 1-based): chr4:102,607,636, G>A. VCF-style: chr4-102607636-G-A. GRCh37 (hg19) VCF-style: chr4-103528793-G-A.
Other names: c.2122-13G>A (NM_001165412.2, NM_001319226.2, NM_001382627.1); c.2083-13G>A (NM_001382628.1); c.2125-13G>A (NM_001382625.1, NM_001382626.1).
Identifiers: ClinVar variation 4764214 (VCV004764214.1).